The following is an entry in ClinVar:

NM_001194998.2(CEP152):c.712A>G (p.Ile238Val)

Gene: CEP152 (centrosomal protein 152; minus strand). Cytogenetic location: 15q21.1.
Variant type: single nucleotide variant.
Coding change: c.712A>G on transcript NM_001194998.2 (MANE Select); coding-DNA position 712, A replaced by G.
Protein change: p.Ile238Val; replaces isoleucine 238 with valine.
Molecular consequence: missense variant.
Genome position (GRCh38, 1-based): chr15:48,793,441, T>C on the plus strand (A>G on the coding strand, the complement: CEP152 is on the minus strand). VCF-style: chr15-48793441-T-C. GRCh37 (hg19) VCF-style: chr15-49085638-T-C.
Other names: c.712A>G, p.Ile238Val (NM_014985.4); short protein forms I238V.
Identifiers: ClinVar variation 1380407 (VCV001380407.6), dbSNP rs1567024681, ClinGen allele CA392356789.
Genomic context (GRCh38, chr15:48,793,441, plus strand): 5'-TTTCAATTAAGTTCTCCAGTTGTCTCTCTTTTGCTTTGTTAAGAACCTGAAGTTGAATAA[T>C]CTGCATATTTTCTGCAGAGTCTGGGAATTAAAGACAATTTATTAGATAAAAACATACCAA-3'
Protein context (NP_001181927.1, residues 228-248): ANENSAENMQ[Ile238Val]IQLQVLNKAK

ClinVar aggregate classification (germline): Uncertain significance (1 of 4 stars; one submission).

Allele frequency attached by ClinVar (database versions not stated): gnomAD exomes below 0.00001 and 0.00001; TOPMed below 0.00001.
gnomAD v4.1: 3 of 1,613,644 alleles (0.00019%); highest among the groups gnomAD compares: Admixed American, 0.005%; no homozygotes.

Submission:

Labcorp Genetics (formerly Invitae), Labcorp
Classification: Uncertain significance. Last evaluated: 2022-04-15. Review status: criteria provided, single submitter. Criteria: Invitae Variant Classification Sherloc (09022015). Collection method: clinical testing. Allele origin: germline.
Comment: In summary, the available evidence is currently insufficient to determine the role of this variant in disease. Therefore, it has been classified as a Variant of Uncertain Significance. Algorithms developed to predict the effect of sequence changes on RNA splicing suggest that this variant may create or strengthen a splice site. Algorithms developed to predict the effect of missense changes on protein structure and function are either unavailable or do not agree on the potential impact of this missense change (SIFT: "Tolerated"; PolyPhen-2: "Possibly Damaging"; Align-GVGD: "Class C0"). This variant has not been reported in the literature in individuals affected with CEP152-related conditions. This variant is not present in population databases (gnomAD no frequency). This sequence change replaces isoleucine, which is neutral and non-polar, with valine, which is neutral and non-polar, at codon 238 of the CEP152 protein (p.Ile238Val).